The following is an entry in ClinVar:

ClinVar aggregate classification (germline): Uncertain significance (1 of 4 stars; one submission).

Submission:

Labcorp Genetics (formerly Invitae), Labcorp
Classification: Uncertain significance. Last evaluated: 2024-02-22. Review status: criteria provided, single submitter. Criteria: Invitae Variant Classification Sherloc (09022015). Collection method: clinical testing. Allele origin: germline.
Comment: This sequence change replaces serine, which is neutral and polar, with arginine, which is basic and polar, at codon 75 of the C8A protein (p.Ser75Arg). This variant is not present in population databases (gnomAD no frequency). This variant has not been reported in the literature in individuals affected with C8A-related conditions. An algorithm developed to predict the effect of missense changes on protein structure and function (PolyPhen-2) suggests that this variant is likely to be tolerated. In summary, the available evidence is currently insufficient to determine the role of this variant in disease. Therefore, it has been classified as a Variant of Uncertain Significance.

NM_000562.3(C8A):c.223A>C (p.Ser75Arg)

Gene: C8A (complement C8 alpha chain; plus strand). Cytogenetic location: 1p32.2.
Variant type: single nucleotide variant.
Coding change: c.223A>C on transcript NM_000562.3 (MANE Select); coding-DNA position 223, A replaced by C.
Protein change: p.Ser75Arg; replaces serine 75 with arginine.
Molecular consequence: missense variant.
Genome position (GRCh38, 1-based): chr1:56,875,000, A>C. VCF-style: chr1-56875000-A-C. GRCh37 (hg19) VCF-style: chr1-57340673-A-C.
Other names: short protein forms S75R.
Identifiers: ClinVar variation 3671710 (VCV003671710.2).